The following is an entry in ClinVar:

ClinVar aggregate classification (germline): Pathogenic (1 of 4 stars; one submission).

Conditions:
Primary ciliary dyskinesia 28. Also called: CILIARY DYSKINESIA, PRIMARY, 28, WITH OR WITHOUT SITUS INVERSUS. Identifiers: Orphanet 244, MedGen C3809706, MONDO:0014216, OMIM 615505.

Submission:

Labcorp Genetics (formerly Invitae), Labcorp
Classification: Pathogenic for Primary ciliary dyskinesia 28. Last evaluated: 2024-02-16. Review status: criteria provided, single submitter. Criteria: Invitae Variant Classification Sherloc (09022015). Collection method: clinical testing. Allele origin: germline.
Comment: This sequence change creates a premature translational stop signal (p.Tyr695*) in the SPAG1 gene. It is expected to result in an absent or disrupted protein product. Loss-of-function variants in SPAG1 are known to be pathogenic (PMID: 24055112). This variant is not present in population databases (gnomAD no frequency). This variant has not been reported in the literature in individuals affected with SPAG1-related conditions. ClinVar contains an entry for this variant (Variation ID: 575027). Algorithms developed to predict the effect of sequence changes on RNA splicing suggest that this variant may disrupt the consensus splice site. For these reasons, this variant has been classified as Pathogenic.

Literature cited by the submitters: PubMed 24055112.

NM_003114.5(SPAG1):c.2085_2086del (p.Tyr695_Arg696delinsTer)

Gene: SPAG1 (sperm associated antigen 1; plus strand). Cytogenetic location: 8q22.2.
Variant type: Microsatellite.
Coding change: c.2085_2086del on transcript NM_003114.5 (MANE Select); coding-DNA positions 2085 to 2086, 2 bases deleted (TA; older notation c.2085_2086delTA).
Protein change: p.Tyr695_Arg696delinsTer.
Molecular consequence: nonsense.
Genome position (GRCh38, 1-based): chr8:100,233,507-100,233,508, TA deleted; deleting any 2 consecutive bases within chr8:100,233,505-100,233,508 gives the same sequence; the c. name uses the placement nearest the transcript's 3' end. VCF-style (leftmost placement, unchanged base first): chr8-100233504-CTA-C. GRCh37 (hg19) VCF-style: chr8-101245732-CTA-C.
Other names: c.2085_2086del, p.Tyr695_Arg696delinsTer (NM_001374321.1, NM_172218.3); c.2085_2086delTA (NM_172218.2).
Identifiers: ClinVar variation 575027 (VCV000575027.6), dbSNP rs1563815206, ClinGen allele CA891842507.